The following is an entry in ClinVar:

NM_016277.5(RAB23):c.408dup (p.Glu137Ter)

Gene: RAB23 (RAB23, member RAS oncogene family; minus strand). Cytogenetic location: 6p12.1.
Variant type: Duplication.
Coding change: c.408dup on transcript NM_016277.5 (MANE Select); coding-DNA position 408, one base duplicated (T; older notation c.408dupT).
Protein change: p.Glu137Ter; replaces glutamic acid 137 with a stop codon.
Molecular consequence: nonsense.
Genome position (GRCh38, 1-based): chr6:57,194,843, A duplicated on the plus strand (T on the coding strand, the reverse complement: RAB23 is on the minus strand). VCF-style (leftmost placement, unchanged base first): chr6-57194842-C-CA. GRCh37 (hg19) VCF-style: chr6-57059640-C-CA.
Other names: c.408dup, p.Glu137Ter (NM_001278666.2, NM_001278667.2, NM_001278668.2 and 1 more transcripts); c.408dup (NM_183227.2, NM_183227.1); c.408dupT (NM_183227.2); short protein forms E137*.
Identifiers: ClinVar variation 4592 (VCV000004592.8), dbSNP rs1438138090, ClinGen allele CA826216381.

ClinVar aggregate classification (germline): Pathogenic. Review status: criteria provided, multiple submitters, no conflicts (2 of 4 stars). 5 submissions from 5 submitters: Pathogenic (4). 1 of the submissions does not count toward it. Last evaluated 2025-08-19.

Conditions:
RAB23-related disorder. Also called: RAB23-related condition.
Carpenter syndrome. Identifiers: Orphanet 65759, MedGen C1275078, MONDO:0019012.
RAB23-related Carpenter syndrome. Also called: Carpenter syndrome 1; ACPS II. Identifiers: Orphanet 65759, MedGen C4551510, MONDO:0008710, OMIM 201000.

Allele frequency attached by ClinVar (database versions not stated): gnomAD 0.00001; TOPMed 0.00001.

Submissions (5):

PreventionGenetics, part of Exact Sciences
Classification: Pathogenic for RAB23-related condition. Last evaluated: 2025-08-19. Review status: criteria provided, single submitter. Criteria: ACMG Guidelines, 2015. Collection method: clinical testing. Allele origin: germline.
Comment: The RAB23 c.408dupT variant is predicted to result in premature protein termination (p.Glu137*). This variant has been reported in the homozygous state in two apparently unrelated individuals with carpenter syndrome (Jenkins et al 2007. PubMed ID: 17503333). This variant has not been reported in a large population database (gnomAD), indicating this variant is rare. Nonsense variants in RAB23 are expected to be pathogenic. This variant is interpreted as pathogenic.

Natera, Inc.
Classification: Pathogenic for Carpenter syndrome 1. Last evaluated: 2025-03-19. Review status: criteria provided, single submitter. Criteria: Natera Variant Classification Schema (03/2026). Collection method: clinical testing. Allele origin: germline.
Comment: The c.408dup variant in RAB23 is a frameshift variant predicted to shift the reading frame and introduce a stop codon. This variant is expected to result in nonsense mediated decay, truncation, or a dysfunctional protein product. This variant is rare in the general population with a frequency below the threshold expected for the associated phenotype(s). This variant has been observed in one or more individuals affected with the associated recessive disease, as either homozygous or compound heterozygous with a second variant (PMID: 17503333). Given the available evidence, this variant is classified as Pathogenic.

Labcorp Genetics (formerly Invitae), Labcorp
Classification: Pathogenic for Carpenter syndrome. Last evaluated: 2024-04-08. Review status: criteria provided, single submitter. Criteria: Invitae Variant Classification Sherloc (09022015). Collection method: clinical testing. Allele origin: germline.
Comment: This sequence change creates a premature translational stop signal (p.Glu137*) in the RAB23 gene. It is expected to result in an absent or disrupted protein product. Loss-of-function variants in RAB23 are known to be pathogenic (PMID: 17503333, 21412941). This variant is not present in population databases (gnomAD no frequency). This premature translational stop signal has been observed in individual(s) with Carpenter syndrome (PMID: 17503333). ClinVar contains an entry for this variant (Variation ID: 4592). Algorithms developed to predict the effect of sequence changes on RNA splicing suggest that this variant may disrupt the consensus splice site. For these reasons, this variant has been classified as Pathogenic.

GeneDx
Classification: Pathogenic. Last evaluated: 2023-07-01. Review status: criteria provided, single submitter. Criteria: GeneDx Variant Classification Process June 2021. Collection method: clinical testing. Allele origin: germline. Affected: yes.
Comment: Nonsense variant predicted to result in protein truncation or nonsense mediated decay in a gene for which loss of function is a known mechanism of disease; Not observed at significant frequency in large population cohorts (gnomAD); This variant is associated with the following publications: (PMID: 17503333)

OMIM
Classification: Pathogenic for CARPENTER SYNDROME. Last evaluated: 2007-06-01. Review status: no assertion criteria provided. Collection method: literature only. Allele origin: germline. Not counted in ClinVar's aggregate classification.

Literature cited by the submitters: PubMed 17503333 (cited by 3 submitters); PubMed 21412941 (cited by Labcorp Genetics (formerly Invitae), Labcorp).